The following is an entry in ClinVar:

NM_001356.5(DDX3X):c.765+2T>G

Gene: DDX3X (DEAD-box helicase 3 X-linked; plus strand). Cytogenetic location: Xp11.4.
Variant type: single nucleotide variant.
Coding change: c.765+2T>G on transcript NM_001356.5 (MANE Select); the canonical splice donor site of the intron after coding-DNA position 765, T replaced by G.
Molecular consequence: splice donor variant.
Genome position (GRCh38, 1-based): chrX:41,343,824, T>G. VCF-style: chrX-41343824-T-G. GRCh37 (hg19) VCF-style: chrX-41203077-T-G.
Other names: c.765+2T>G (NM_001193416.3); c.717+2T>G (NM_001193417.3); c.207+2T>G (NM_001363819.1).
Identifiers: ClinVar variation 1687528 (VCV001687528.1), dbSNP rs2147352999, ClinGen allele CA412769848.

ClinVar aggregate classification (germline): Likely pathogenic (1 of 4 stars; one submission).

Conditions:
Intellectual disability, X-linked 102 (MRXSSB). Also called: Intellectual developmental disorder, X-linked syndromic, Snijders Blok type. Identifiers: Orphanet 457260, MedGen C5393299, MONDO:0010497, OMIM 300958.

Submission:

3billion
Classification: Likely pathogenic for Intellectual disability, X-linked 102. Last evaluated: 2022-05-22. Review status: criteria provided, single submitter. Criteria: ACMG Guidelines, 2015. Collection method: clinical testing. Allele origin: germline. Affected: yes. Observed: 1 heterozygote.
Comment: The variant is not observed in the gnomAD v2.1.1 dataset. Canonical splice site: predicted to alter splicing and result in a loss or disruption of normal protein function. Multiple pathogenic loss-of-function variants are reported downstream of the variant. Therefore, this variant is classified as likely pathogenic according to the recommendation of ACMG/AMP guideline.